The following is an entry in ClinVar:

NM_006846.4(SPINK5):c.1895G>A (p.Cys632Tyr)

Gene: SPINK5 (serine peptidase inhibitor Kazal type 5; plus strand). Cytogenetic location: 5q32.
Variant type: single nucleotide variant.
Coding change: c.1895G>A on transcript NM_006846.4 (MANE Select); coding-DNA position 1895, G replaced by A.
Protein change: p.Cys632Tyr; replaces cysteine 632 with tyrosine.
Molecular consequence: missense variant.
Genome position (GRCh38, 1-based): chr5:148,114,369, G>A. VCF-style: chr5-148114369-G-A. GRCh37 (hg19) VCF-style: chr5-147493932-G-A.
Other names: c.1895G>A, p.Cys632Tyr (NM_001127698.2, NM_001127699.2); short protein forms C632Y.
Identifiers: ClinVar variation 1987482 (VCV001987482.2), dbSNP rs527478376, ClinGen allele CA3495792.

ClinVar aggregate classification (germline): Uncertain significance (1 of 4 stars; one submission).

Conditions:
Ichthyosis linearis circumflexa. Identifiers: MedGen C0265962, MONDO:0043106, HP:0025810.

Allele frequency attached by ClinVar (database versions not stated): ExAC 0.00001; gnomAD 0.00002; TOPMed 0.00002; gnomAD exomes 0.00003.
gnomAD v4.1: 18 of 1,610,984 alleles (0.0011%); highest among the groups gnomAD compares: East Asian, 0.027%; no homozygotes.

Submission:

Labcorp Genetics (formerly Invitae), Labcorp
Classification: Uncertain significance for Ichthyosis linearis circumflexa. Last evaluated: 2022-03-29. Review status: criteria provided, single submitter. Criteria: Invitae Variant Classification Sherloc (09022015). Collection method: clinical testing. Allele origin: germline.
Comment: In summary, the available evidence is currently insufficient to determine the role of this variant in disease. Therefore, it has been classified as a Variant of Uncertain Significance. This variant is present in population databases (rs527478376, gnomAD 0.0009%). This sequence change replaces cysteine, which is neutral and slightly polar, with tyrosine, which is neutral and polar, at codon 632 of the SPINK5 protein (p.Cys632Tyr). This variant has not been reported in the literature in individuals affected with SPINK5-related conditions. Algorithms developed to predict the effect of missense changes on protein structure and function are either unavailable or do not agree on the potential impact of this missense change (SIFT: "Deleterious"; PolyPhen-2: "Probably Damaging"; Align-GVGD: "Class C0").